The following is an entry in ClinVar:

NM_001365276.2(TNXB):c.5278G>T (p.Glu1760Ter)

Gene: TNXB (tenascin XB; minus strand). Cytogenetic location: 6p21.33.
Variant type: single nucleotide variant.
Coding change: c.5278G>T on transcript NM_001365276.2 (MANE Select); coding-DNA position 5278, G replaced by T.
Protein change: p.Glu1760Ter; replaces glutamic acid 1760 with a stop codon.
Molecular consequence: nonsense.
Genome position (GRCh38, 1-based): chr6:32,070,127, C>A on the plus strand (G>T on the coding strand, the complement: TNXB is on the minus strand). VCF-style: chr6-32070127-C-A. GRCh37 (hg19) VCF-style: chr6-32037904-C-A.
Other names: c.6019G>T, p.Glu2007Ter (NM_001428335.1); c.5278G>T, p.Glu1760Ter (NM_019105.8); short protein forms E1760*, E2007*.
Identifiers: ClinVar variation 5013221 (VCV005013221.1).

ClinVar aggregate classification (germline): Pathogenic (1 of 4 stars; one submission).

Conditions:
Ehlers-Danlos syndrome due to tenascin-X deficiency (EDSCLL1). Also called: Ehlers-Danlos syndrome, classic-like, 1; EHLERS-DANLOS SYNDROME, CLASSIC-LIKE; TNXB-Related Classical-Like Ehlers-Danlos Syndrome; EDS DUE TO TNX DEFICIENCY; TNX DEFICIENCY. Identifiers: Orphanet 230839, MedGen C1848029, MONDO:0011670, OMIM 606408.

Submission:

Myriad Genetics, Inc.
Classification: Pathogenic for Ehlers-Danlos syndrome due to tenascin-X deficiency. Last evaluated: 2024-06-23. Review status: criteria provided, single submitter. Criteria: Myriad Autosomal Dominant, Autosomal Recessive and X-Linked Classification Criteria (2023). Collection method: clinical testing. Allele origin: unknown.
Comment: NM_019105.6(TNXB):c.5278G>T(E1760*) is expected to be pathogenic in the context of classical-like Ehlers-Danlos syndrome, TNXB-related. This variant is predicted to lead to an abnormal or absent protein product due to the creation of a premature termination codon in TNXB, a gene where loss-of-function variants are known to be pathogenic. Please note: this variant was assessed in the context of healthy population screening.